The following is an entry in ClinVar:

ClinVar aggregate classification (germline): Pathogenic (1 of 4 stars; one submission).

Conditions:
Polycystic kidney disease, adult type (PKD1). Also called: POLYCYSTIC KIDNEY DISEASE, ADULT, TYPE I; Polycystic Kidney Disease 1, Autosomal Dominant; Polycystic kidney disease 1; Polycystic kidney disease 1, severe; Polycystic Kidney, Autosomal Dominant; POLYCYSTIC KIDNEY DISEASE 1 WITH OR WITHOUT POLYCYSTIC LIVER DISEASE. Identifiers: MedGen C3149841, MONDO:0008263, OMIM 173900.

Submission:

Juno Genomics, Hangzhou Juno Genomics, Inc
Classification: Pathogenic for Polycystic kidney disease, adult type. Review status: criteria provided, single submitter. Criteria: ACMG Guidelines, 2015. Collection method: clinical testing. Allele origin: germline. Affected: yes.
Comment: Null variant in a gene where loss of function (LOF) is a known mechanism of disease.;Absent from controls (or at extremely low frequency if recessive) in Genome Aggregation Database, Exome Sequencing Project, 1000 Genomes Project, or Exome Aggregation Consortium.;Patient's phenotype or family history is highly specific for a disease with a single genetic etiology.;The prevalence of the variant in affected individuals is significantly increased compared to the prevalence in controls.

NM_001009944.3(PKD1):c.11379dup (p.Thr3794fs)

Genes: PKD1 (polycystin 1, transient receptor potential channel interacting; minus strand), PKD1-AS1 (PKD1 antisense RNA 1; plus strand). Cytogenetic location: 16p13.3.
Variant type: Duplication.
Coding change: c.11379dup on transcript NM_001009944.3 (MANE Select); coding-DNA position 11379, one base duplicated (G; older notation c.11379dupG).
Protein change: p.Thr3794fs; shifts the reading frame from threonine 3794.
Molecular consequence: frameshift variant.
Genome position (GRCh38, 1-based): chr16:2,092,079, C duplicated on the plus strand (G on the coding strand, the reverse complement: PKD1 is on the minus strand); the first of 4 consecutive C bases (chr16:2,092,079-2,092,082); duplicating any one gives the same sequence. VCF-style (leftmost placement, unchanged base first): chr16-2092078-T-TC. GRCh37 (hg19) VCF-style: chr16-2142079-T-TC.
Other names: c.11376dup, p.Thr3793fs (NM_000296.4); short protein forms T3793fs, T3794fs.
Identifiers: ClinVar variation 3382456 (VCV003382456.2).